The following is an entry in ClinVar:

NM_052947.4(ALPK2):c.5392C>T (p.Pro1798Ser)

Gene: ALPK2 (alpha kinase 2; minus strand). Cytogenetic location: 18q21.31.
Variant type: single nucleotide variant.
Coding change: c.5392C>T on transcript NM_052947.4 (MANE Select); coding-DNA position 5392, C replaced by T.
Protein change: p.Pro1798Ser; replaces proline 1798 with serine.
Molecular consequence: missense variant.
Genome position (GRCh38, 1-based): chr18:58,529,200, G>A on the plus strand (C>T on the coding strand, the complement: ALPK2 is on the minus strand). VCF-style: chr18-58529200-G-A. GRCh37 (hg19) VCF-style: chr18-56196432-G-A.
Other names: short protein forms P1798S.
Identifiers: ClinVar variation 1747235 (VCV001747235.3), dbSNP rs2518869614, ClinGen allele CA402554223.

ClinVar aggregate classification (germline): Uncertain significance (1 of 4 stars; one submission).

Submission:

Ambry Genetics
Classification: Uncertain significance. Last evaluated: 2024-08-05. Review status: criteria provided, single submitter. Criteria: Ambry Variant Classification Scheme 2023. Collection method: clinical testing. Allele origin: germline.
Comment: The p.P1798S variant (also known as c.5392C>T), located in coding exon 5 of the ALPK2 gene, results from a C to T substitution at nucleotide position 5392. The proline at codon 1798 is replaced by serine, an amino acid with similar properties. This amino acid position is conserved. In addition, this alteration is predicted to be tolerated by in silico analysis. Since supporting evidence is limited at this time, the clinical significance of this alteration remains unclear.